The following is an entry in ClinVar:

ClinVar aggregate classification (germline): Conflicting classifications of pathogenicity. Review status: criteria provided, conflicting classifications (1 of 4 stars). 7 submissions from 6 submitters: Likely risk allele (1); Uncertain significance (6). Last evaluated 2025-05-19.

Conditions:
Autosomal dominant nonsyndromic hearing loss 6 (LFSNHL). Also called: DEAFNESS, AUTOSOMAL DOMINANT 6; DEAFNESS, AUTOSOMAL DOMINANT 14; DEAFNESS, AUTOSOMAL DOMINANT 38; Autosomal dominant nonsyndromic deafness 6. Identifiers: Orphanet 90635, MedGen C1833021, MONDO:0010963, OMIM 600965.
Wolfram syndrome 1 (WFS1). Identifiers: Orphanet 3463, MedGen C4551693, MONDO:0009101, OMIM 222300.
WFS1-Related Spectrum Disorders.

Allele frequency attached by ClinVar (database versions not stated): gnomAD exomes 0.00003; TOPMed 0.00003; gnomAD 0.00002 and 0.00003.
gnomAD v4.1: 24 of 1,557,006 alleles (0.0015%); highest among the groups gnomAD compares: Admixed American, 0.0058%; no homozygotes.

Submissions (7):

Women's Health and Genetics/Laboratory Corporation of America, LabCorp
Classification: Uncertain significance. Last evaluated: 2025-05-19. Review status: criteria provided, single submitter. Criteria: LabCorp Variant Classification Summary - May 2015. Collection method: clinical testing. Allele origin: germline.
Comment: Variant summary: WFS1 c.232G>A (p.Gly78Arg) results in a non-conservative amino acid change located in the Tetratricopeptide repeat domain (IPR011990) of the encoded protein sequence. Algorithms developed to predict the effect of missense changes on protein structure and function all suggest that this variant is likely to be disruptive. Several computational tools predict a significant impact on normal splicing: Four predict the variant weakens the canonical 5' donor site. However, these predictions have yet to be confirmed by functional studies. The variant allele was found at a frequency of 3.2e-05 in 157942 control chromosomes. The available data on variant occurrences in the general population are insufficient to allow any conclusion about variant significance. To our knowledge, no occurrence of c.232G>A in individuals affected with Wolfram Syndrome 1 and no experimental evidence demonstrating its impact on protein function have been reported. ClinVar contains an entry for this variant (Variation ID: 903896). Based on the evidence outlined above, the variant was classified as uncertain significance.

Labcorp Genetics (formerly Invitae), Labcorp
Classification: Uncertain significance. Last evaluated: 2025-02-26. Review status: criteria provided, single submitter. Criteria: Invitae Variant Classification Sherloc (09022015). Collection method: clinical testing. Allele origin: germline.
Comment: This sequence change replaces glycine, which is neutral and non-polar, with arginine, which is basic and polar, at codon 78 of the WFS1 protein (p.Gly78Arg). This variant also falls at the last nucleotide of exon 2, which is part of the consensus splice site for this exon. The frequency data for this variant in the population databases is considered unreliable, as metrics indicate poor data quality at this position in the gnomAD database. This variant has not been reported in the literature in individuals affected with WFS1-related conditions. ClinVar contains an entry for this variant (Variation ID: 903896). An algorithm developed to predict the effect of missense changes on protein structure and function (PolyPhen-2) suggests that this variant is likely to be tolerated. Variants that disrupt the consensus splice site are a relatively common cause of aberrant splicing (PMID: 17576681, 9536098). In summary, the available evidence is currently insufficient to determine the role of this variant in disease. Therefore, it has been classified as a Variant of Uncertain Significance.

GeneDx
Classification: Uncertain significance. Last evaluated: 2024-01-17. Review status: criteria provided, single submitter. Criteria: GeneDx Variant Classification Process June 2021. Collection method: clinical testing. Allele origin: germline. Affected: yes.
Comment: Has not been previously published as pathogenic or benign to our knowledge; In silico analysis supports that this missense variant does not alter protein structure/function; This variant is associated with the following publications: (PMID: 17603484, 33879153, 12955714, 18060660)

Blueprint Genetics
Classification: Uncertain significance. Last evaluated: 2023-12-19. Review status: criteria provided, single submitter. Criteria: ACMG Guidelines, 2015. Collection method: clinical testing. Allele origin: germline.

Illumina Laboratory Services, Illumina
Classification: Uncertain significance for WFS1-Related Spectrum Disorders. Last evaluated: 2018-01-12. Review status: criteria provided, single submitter. Criteria: ICSL Variant Classification Criteria 13 December 2019. Collection method: clinical testing. Allele origin: germline.

Illumina Laboratory Services, Illumina
Classification: Uncertain significance for Autosomal dominant nonsyndromic hearing loss 6. Last evaluated: 2018-01-12. Review status: criteria provided, single submitter. Criteria: ICSL Variant Classification Criteria 13 December 2019. Collection method: clinical testing. Allele origin: germline.

Clinical Genomics, Uppaluri K&H Personalized Medicine Clinic
Classification: Likely risk allele for Wolfram syndrome 1. Review status: criteria provided, single submitter. Criteria: K & H Uppaluri Personalized Medicine Clinic Variant Classification & Assertion Criteria_Updated V.1. Collection method: research. Allele origin: unknown. Inheritance: Autosomal recessive inheritance.
Comment: Potent mutations in WFS1 gene are associated with Wolfram's syndrome, an autosomal recessive condition, which cause diabetes mellitus, diabetes insipidus, deafness and optic atrophy. However no sufficient evidence is found to ascertain the role of this particular variant rs777964510 in Wolfram's syndrome yet.

Literature cited by the submitters: PubMed 17576681 (cited by Labcorp Genetics (formerly Invitae), Labcorp); PubMed 9536098 (cited by Labcorp Genetics (formerly Invitae), Labcorp); PubMed 20738327 (cited by Clinical Genomics, Uppaluri K&H Personalized Medicine Clinic); PubMed 33879153 (cited by Clinical Genomics, Uppaluri K&H Personalized Medicine Clinic); PubMed 12955714 (cited by Clinical Genomics, Uppaluri K&H Personalized Medicine Clinic); PubMed 18060660 (cited by Clinical Genomics, Uppaluri K&H Personalized Medicine Clinic); PubMed 20301750 (cited by Clinical Genomics, Uppaluri K&H Personalized Medicine Clinic); PubMed 17603484 (cited by Clinical Genomics, Uppaluri K&H Personalized Medicine Clinic).

NM_006005.3(WFS1):c.232G>A (p.Gly78Arg)

Gene: WFS1 (wolframin ER transmembrane glycoprotein; plus strand). Cytogenetic location: 4p16.1.
Variant type: single nucleotide variant.
Coding change: c.232G>A on transcript NM_006005.3 (MANE Select); coding-DNA position 232, G replaced by A.
Protein change: p.Gly78Arg; replaces glycine 78 with arginine.
Molecular consequence: missense variant.
Genome position (GRCh38, 1-based): chr4:6,277,687, G>A. VCF-style: chr4-6277687-G-A. GRCh37 (hg19) VCF-style: chr4-6279414-G-A.
Other names: c.232G>A, p.Gly78Arg (NM_001145853.1); short protein forms G78R.
Identifiers: ClinVar variation 903896 (VCV000903896.14), dbSNP rs777964510, ClinGen allele CA91787597.